The following is an entry in ClinVar:

ClinVar aggregate classification (germline): Uncertain significance (1 of 4 stars; one submission).

Submission:

GeneDx
Classification: Uncertain significance. Last evaluated: 2025-02-07. Review status: criteria provided, single submitter. Criteria: GeneDx Variant Classification Process June 2021. Collection method: clinical testing. Allele origin: germline. Affected: yes.
Comment: Not observed at significant frequency in large population cohorts (gnomAD); In silico analysis indicates that this missense variant does not alter protein structure/function; Has not been previously published as pathogenic or benign to our knowledge

NM_001134363.3(RBM20):c.226G>A (p.Val76Ile)

Gene: RBM20 (RNA binding motif protein 20; plus strand). Cytogenetic location: 10q25.2.
Variant type: single nucleotide variant.
Coding change: c.226G>A on transcript NM_001134363.3 (MANE Select); coding-DNA position 226, G replaced by A.
Protein change: p.Val76Ile; replaces valine 76 with isoleucine.
Molecular consequence: missense variant.
Genome position (GRCh38, 1-based): chr10:110,780,835, G>A. VCF-style: chr10-110780835-G-A. GRCh37 (hg19) VCF-style: chr10-112540593-G-A.
Other names: short protein forms V76I.
Identifiers: ClinVar variation 4074584 (VCV004074584.1).